The following is an entry in ClinVar:

ClinVar aggregate classification (germline): Likely benign. Review status: criteria provided, single submitter (1 of 4 stars). 2 submissions from 2 submitters: Likely benign (1). 1 of the submissions does not count toward it. Last evaluated 2026-01-24.

Conditions:
Amelocerebrohypohidrotic syndrome (KTZS). Also called: KOHLSCHUTTER SYNDROME; Kohlschutter's syndrome; EPILEPSY AND YELLOW TEETH; EPILEPSY, DEMENTIA, AND AMELOGENESIS IMPERFECTA. Identifiers: Orphanet 1946, MedGen C0406740, MONDO:0009185, OMIM 226750.
ROGDI-related disorder. Also called: ROGDI-related condition.

Allele frequency attached by ClinVar (database versions not stated): TOPMed 0.00030; gnomAD 0.00032; ESP Exome Variant Server 0.00023.
gnomAD v4.1: 77 of 1,613,162 alleles (0.0048%); highest among the groups gnomAD compares: African/African-American, 0.095%; no homozygotes.

Submissions (2):

Labcorp Genetics (formerly Invitae), Labcorp
Classification: Likely benign for Amelocerebrohypohidrotic syndrome. Last evaluated: 2026-01-24. Review status: criteria provided, single submitter. Criteria: Invitae Variant Classification Sherloc (09022015). Collection method: clinical testing. Allele origin: germline.

PreventionGenetics, part of Exact Sciences
Classification: Likely benign for ROGDI-related condition. Last evaluated: 2019-03-22. Review status: no assertion criteria provided. Collection method: clinical testing. Allele origin: germline. Not counted in ClinVar's aggregate classification.
Comment: This variant is classified as likely benign based on ACMG/AMP sequence variant interpretation guidelines (Richards et al. 2015 PMID: 25741868, with internal and published modifications).

NM_024589.3(ROGDI):c.348C>T (p.Ala116=)

Gene: ROGDI (rogdi atypical leucine zipper; minus strand). Cytogenetic location: 16p13.3.
Variant type: single nucleotide variant.
Coding change: c.348C>T on transcript NM_024589.3 (MANE Select); coding-DNA position 348, C replaced by T.
Protein change: p.Ala116=; no amino-acid change (alanine 116 retained).
Molecular consequence: synonymous variant. On other transcripts: non-coding transcript variant (1).
Genome position (GRCh38, 1-based): chr16:4,799,770, G>A on the plus strand (C>T on the coding strand, the complement: ROGDI is on the minus strand). VCF-style: chr16-4799770-G-A. GRCh37 (hg19) VCF-style: chr16-4849771-G-A.
Identifiers: ClinVar variation 461610 (VCV000461610.13), dbSNP rs148870636, ClinGen allele CA7882766.